The following is an entry in ClinVar:

ClinVar aggregate classification (germline): Benign/Likely benign. Review status: criteria provided, multiple submitters, no conflicts (2 of 4 stars). 2 submissions from 2 submitters: Benign (1); Likely benign (1). Last evaluated 2026-03-01.

Conditions:
Oculofaciocardiodental syndrome (MCOPS2). Identifiers: Orphanet 2712, MedGen C1846265, MONDO:0010261, OMIM 300166.

Allele frequency attached by ClinVar (database versions not stated): ExAC 0.00007; gnomAD 0.00007 and 0.00008; TOPMed 0.00009; gnomAD exomes 0.00004.
gnomAD v4.1: 54 of 1,206,535 alleles (0.0045%); highest among the groups gnomAD compares: Admixed American, 0.0088%; no homozygotes.

Submissions (2):

CeGaT Center for Human Genetics Tuebingen
Classification: Likely benign. Last evaluated: 2026-03-01. Review status: criteria provided, single submitter. Criteria: CeGaT Center For Human Genetics Tuebingen Variant Classification Criteria Version 2. Collection method: clinical testing. Allele origin: germline. Affected: yes. Observed: 1 variant allele.
Comment: BCOR: BP4, BS2

Labcorp Genetics (formerly Invitae), Labcorp
Classification: Benign for Oculofaciocardiodental syndrome. Last evaluated: 2025-10-19. Review status: criteria provided, single submitter. Criteria: Invitae Variant Classification Sherloc (09022015). Collection method: clinical testing. Allele origin: germline.

NM_001123385.2(BCOR):c.4779C>T (p.Asp1593=)

Gene: BCOR (BCL6 corepressor; minus strand). Cytogenetic location: Xp11.4.
Variant type: single nucleotide variant.
Coding change: c.4779C>T on transcript NM_001123385.2 (MANE Select); coding-DNA position 4779, C replaced by T.
Protein change: p.Asp1593=; no amino-acid change (aspartic acid 1593 retained).
Molecular consequence: synonymous variant.
Genome position (GRCh38, 1-based): chrX:40,054,296, G>A on the plus strand (C>T on the coding strand, the complement: BCOR is on the minus strand). VCF-style: chrX-40054296-G-A. GRCh37 (hg19) VCF-style: chrX-39913549-G-A.
Other names: c.4677C>T, p.Asp1559= (NM_017745.6, NM_001123383.2); c.4623C>T, p.Asp1541= (NM_001123384.2).
Identifiers: ClinVar variation 701001 (VCV000701001.8), dbSNP rs776232139, ClinGen allele CA10386381.